The following is an entry in ClinVar:

ClinVar aggregate classification (germline): Uncertain significance (1 of 4 stars; one submission).

Allele frequency attached by ClinVar (database versions not stated): ExAC 0.00001; gnomAD exomes 0.00001; TOPMed 0.00008; gnomAD 0.00009.
gnomAD v4.1: 21 of 1,613,986 alleles (0.0013%); highest among the groups gnomAD compares: African/African-American, 0.008%; no homozygotes.

Submission:

Labcorp Genetics (formerly Invitae), Labcorp
Classification: Uncertain significance. Last evaluated: 2024-04-03. Review status: criteria provided, single submitter. Criteria: Invitae Variant Classification Sherloc (09022015). Collection method: clinical testing. Allele origin: germline.
Comment: This sequence change replaces lysine, which is basic and polar, with arginine, which is basic and polar, at codon 600 of the PCK2 protein (p.Lys600Arg). This variant is present in population databases (rs762596052, gnomAD 0.01%). This variant has not been reported in the literature in individuals affected with PCK2-related conditions. Advanced modeling of protein sequence and biophysical properties (such as structural, functional, and spatial information, amino acid conservation, physicochemical variation, residue mobility, and thermodynamic stability) performed at Invitae indicates that this missense variant is not expected to disrupt PCK2 protein function with a negative predictive value of 80%. Algorithms developed to predict the effect of sequence changes on RNA splicing suggest that this variant may create or strengthen a splice site. In summary, the available evidence is currently insufficient to determine the role of this variant in disease. Therefore, it has been classified as a Variant of Uncertain Significance.

NM_004563.4(PCK2):c.1799A>G (p.Lys600Arg)

Genes: NRL (neural retina leucine zipper; minus strand), PCK2 (phosphoenolpyruvate carboxykinase 2, mitochondrial; plus strand). Cytogenetic location: 14q12.
Variant type: single nucleotide variant.
Coding change: c.1799A>G on transcript NM_004563.4 (MANE Select); coding-DNA position 1799, A replaced by G.
Protein change: p.Lys600Arg; replaces lysine 600 with arginine.
Molecular consequence: missense variant. On other transcripts: intron variant (3).
Genome position (GRCh38, 1-based): chr14:24,103,840, A>G. VCF-style: chr14-24103840-A-G. GRCh37 (hg19) VCF-style: chr14-24573049-A-G.
Other names: c.-28+10882T>C (NM_001354768.3, NM_001354770.2); c.-254+10882T>C (NM_006177.5); c.1397A>G, p.Lys466Arg (NM_001291556.2, NM_001308054.2); short protein forms K466R, K600R.
Identifiers: ClinVar variation 2888160 (VCV002888160.3), dbSNP rs762596052, ClinGen allele CA7123637.
Genomic context (GRCh38, chr14:24,103,840, plus strand): 5'-GAGCCTTGGATCTCAGCGGCCTCAGAGCTATAGACACCACTCAGCTGTTCTCCCTCCCCA[A>G]GGACTTCTGGGAACAGGAGGTTCGTGACATTCGGAGCTACCTGACAGAGCAGGTCAACCA-3'
Protein context (NP_004554.3, residues 590-610): IDTTQLFSLP[Lys600Arg]DFWEQEVRDI